The following is an entry in ClinVar:

ClinVar aggregate classification (germline): Likely pathogenic (1 of 4 stars; one submission).

Conditions:
Premature ovarian failure 14. Identifiers: MedGen C4693941, MONDO:0044777, OMIM 618014.

Submission:

Laboratory of Medical Genetics, National & Kapodistrian University of Athens
Classification: Likely pathogenic for Premature ovarian failure 14. Last evaluated: 2021-10-01. Review status: criteria provided, single submitter. Criteria: ACMG Guidelines, 2015. Collection method: clinical testing. Allele origin: paternal. Affected: yes.
Comment: PVS1, PM2, PM4

Literature cited by the submitters: PubMed 34008892.

NM_005260.7(GDF9):c.1364A>C (p.Ter455Ser)

Gene: GDF9 (growth differentiation factor 9; minus strand). Cytogenetic location: 5q31.1.
Variant type: single nucleotide variant.
Coding change: c.1364A>C on transcript NM_005260.7 (MANE Select); coding-DNA position 1364, A replaced by C.
Protein change: p.Ter455Ser.
Molecular consequence: stop lost.
Genome position (GRCh38, 1-based): chr5:132,861,590, T>G on the plus strand (A>C on the coding strand, the complement: GDF9 is on the minus strand). VCF-style: chr5-132861590-T-G. GRCh37 (hg19) VCF-style: chr5-132197282-T-G.
Other names: c.1100A>C, p.Ter367Ser (NM_001288824.4, NM_001288825.4, NM_001288826.3 and 2 more transcripts).
Identifiers: ClinVar variation 1299519 (VCV001299519.1), dbSNP rs2150042519, ClinGen allele CA360946530.